The following is an entry in ClinVar:

NM_000492.4(CFTR):c.2909-15T>G

Genes: CFTR (CF transmembrane conductance regulator; plus strand), CFTR-AS2 (CFTR antisense RNA 2; minus strand). Cytogenetic location: 7q31.2.
Variant type: single nucleotide variant.
Coding change: c.2909-15T>G on transcript NM_000492.4 (MANE Select); 15 bases into the intron before coding-DNA position 2909, T replaced by G.
Molecular consequence: intron variant.
Genome position (GRCh38, 1-based): chr7:117,606,659, T>G. VCF-style: chr7-117606659-T-G. GRCh37 (hg19) VCF-style: chr7-117246713-T-G.
Other names: 3041-15T->G.
Identifiers: ClinVar variation 53592 (VCV000053592.63), dbSNP rs397508455, ClinGen allele CA326961.

ClinVar aggregate classification (germline): Conflicting classifications of pathogenicity. Review status: criteria provided, conflicting classifications (1 of 4 stars). 14 submissions from 14 submitters: Pathogenic (4); Likely pathogenic (7); Uncertain significance (2). 1 of the submissions does not count toward it. Last evaluated 2025-09-02.

Conditions:
CFTR-related disorder (CFTR-RD). Also called: CFTR-related condition; CFTR-related disorders. Identifiers: MedGen C5924204, MONDO:7770004.
Cystic fibrosis (CF). Also called: MUCOVISCIDOSIS. Identifiers: Orphanet 586, MedGen C0010674, MONDO:0009061, OMIM 219700. Disease mechanism: loss of function.
Congenital bilateral aplasia of vas deferens from CFTR mutation (CBAVD). Identifiers: Orphanet 48, MedGen C0403814, MONDO:0010178, OMIM 277180. Disease mechanism: loss of function.
Bronchiectasis with or without elevated sweat chloride 1 (BESC1). Also called: Cystic Fibrosis-Like Syndrome. Identifiers: Orphanet 60033, MedGen C2749757, MONDO:0008887, OMIM 211400.
Hereditary pancreatitis (PCTT). Also called: Hereditary chronic pancreatitis; PRSS1-Related Hereditary Pancreatitis. Identifiers: Orphanet 676, MedGen C0238339, MONDO:0008185, OMIM 167800.

Allele frequency attached by ClinVar (database versions not stated): gnomAD below 0.00001.
gnomAD v4.1: 9 of 1,378,662 alleles (0.00065%); highest among the groups gnomAD compares: South Asian, 0.0093%; no homozygotes.

Submissions (14):

Labcorp Genetics (formerly Invitae), Labcorp
Classification: Likely pathogenic for Cystic fibrosis. Last evaluated: 2025-09-02. Review status: criteria provided, single submitter. Criteria: Invitae Variant Classification Sherloc (09022015). Collection method: clinical testing. Allele origin: germline.
Comment: This sequence change falls in intron 17 of the CFTR gene. It does not directly change the encoded amino acid sequence of the CFTR protein. RNA analysis indicates that this variant induces altered splicing and may result in an absent or altered protein product. This variant is present in population databases (rs397508455, gnomAD 0.003%). This variant has been observed in individuals with clinical features of CFTR-related conditions (PMID: 15070876, 23381846, 25674778, 25963003, 30938940). This variant is also known as 3041-15T>G. ClinVar contains an entry for this variant (Variation ID: 53592). Studies have shown that this variant results in skipping of exon 16, and produces a non-functional protein and/or introduces a premature termination codon (PMID: 23381846). In summary, the currently available evidence indicates that the variant is pathogenic, but additional data are needed to prove that conclusively. Therefore, this variant has been classified as Likely Pathogenic.

Women's Health and Genetics/Laboratory Corporation of America, LabCorp
Classification: Pathogenic for Cystic fibrosis. Last evaluated: 2024-12-05. Review status: criteria provided, single submitter. Criteria: LabCorp Variant Classification Summary - May 2015. Collection method: clinical testing. Allele origin: germline.
Comment: Variant summary: CFTR c.2909-15T>G, also reported as 3041-15T>G, alters a conserved nucleotide located at a position not widely known to affect splicing. Consensus agreement among computation tools predict no significant impact on normal splicing. At least one publication reports experimental evidence that this variant results in skipping of exon 18 in a minigene using a human bronchial cell in vitro assay, leading to predicted nonsense mediated decay (example, Raynal_2013). The variant allele was found at a frequency of 4e-06 in 250448 control chromosomes. c.2909-15T>G has been reported in the literature in the presumed compound heterozygous or homozygous state in multiple individuals affected with clinical features of Cystic Fibrosis or CF-related conditions (example, Baker_2015, Girardet_2007, Atag_2019, Erodan_2021, Ooi_2015, Gonska_2021, Dayangac_2004). These data indicate that the variant is very likely to be associated with disease. The following publications have been ascertained in the context of this evaluation (PMID: 30938940, 25674778, 15070876, 34860163, 17850636, 34814176, 22483971, 25963003, 23381846, 23378595). ClinVar contains an entry for this variant (Variation ID: 53592). Based on the evidence outlined above, the variant was classified as pathogenic.

PreventionGenetics, part of Exact Sciences
Classification: Uncertain significance for CFTR-related condition. Last evaluated: 2024-11-15. Review status: criteria provided, single submitter. Criteria: ACMG Guidelines, 2015. Collection method: clinical testing. Allele origin: germline.
Comment: The CFTR c.2909-15T>G variant is predicted to interfere with splicing. This variant, sometimes described as 3041-15T>G using legacy nomenclature, was reported in the homozygous state in an individual with congenital absence of vas deferens (Dayangac et al 2004. PubMed ID: 15070876) and in the compound heterozygous state in individuals who were CF screen positive with an inconclusive diagnosis due to normal or intermediate sweat chloride measurements (Ooi et al. 2015. PubMed ID: 25963003; Baker et al. 2016. PubMed ID: 25674778; CFTR-France database). In vitro studies showed that this variant lead to aberrant splicing in ~80% of the transcripts (Raynal et al 2013. PubMed ID: 23381846). This variant is reported in 0.0033% of alleles in individuals of South Asian descent in gnomAD. Although we suspect this variant may be pathogenic, at this time, the clinical significance of this variant is uncertain due to the absence of conclusive functional and genetic evidence.

Blueprint Genetics
Classification: Likely pathogenic for CFTR-related disorders. Last evaluated: 2024-10-23. Review status: criteria provided, single submitter. Criteria: ACMG Guidelines, 2015. Collection method: clinical testing. Allele origin: germline. Affected: yes. Observed: 2 variant alleles.

Ambry Genetics
Classification: Uncertain significance for Cystic fibrosis. Last evaluated: 2024-06-04. Review status: criteria provided, single submitter. Criteria: Ambry Variant Classification Scheme 2023. Collection method: clinical testing. Allele origin: germline.
Comment: The c.2909-15T>G intronic variant results from a T to G substitution 15 nucleotides upstream from coding exon 18 in the CFTR gene. It has also been reported in conjunction with a pathogenic CFTR variant in two children; however, only one of the children had features consistent with cystic fibrosis (Ooi CY et al. Pediatrics, 2015 Jun;135:e1377-85; Gonska T et al. Pediatrics, 2021 Dec;148:). RNA studies have demonstrated that this alteration results in skipping of exon 18 (Raynal C et al. Hum Mutat, 2013 May;34:774-84). This nucleotide position is highly conserved in available vertebrate species. In silico splice site analysis predicts that this alteration will weaken the native splice acceptor site. Based on the available evidence, the clinical significance of this variant remains unclear.

Fulgent Genetics
Classification: Likely pathogenic for Hereditary pancreatitis; Bronchiectasis with or without elevated sweat chloride 1; Cystic fibrosis; Congenital bilateral aplasia of vas deferens from CFTR mutation. Last evaluated: 2024-03-28. Review status: criteria provided, single submitter. Criteria: ACMG Guidelines, 2015. Collection method: clinical testing. Allele origin: germline.

Johns Hopkins Genomics, Johns Hopkins University
Classification: Likely pathogenic for Cystic fibrosis. Last evaluated: 2022-11-23. Review status: criteria provided, single submitter. Criteria: ACMG Guidelines, 2015. Collection method: clinical testing. Allele origin: germline.

Revvity Omics, Revvity
Classification: Likely pathogenic. Last evaluated: 2022-10-06. Review status: criteria provided, single submitter. Criteria: ACMG Guidelines, 2015. Collection method: clinical testing. Allele origin: germline.

Institute of Human Genetics, University of Leipzig Medical Center
Classification: Likely pathogenic for Cystic fibrosis. Last evaluated: 2022-09-05. Review status: criteria provided, single submitter. Criteria: ACMG Guidelines, 2015. Collection method: curation. Allele origin: unknown. Affected: yes. Observed: 2 variant alleles.
Comment: This variant was identified in 2 unrelated patients with a clinically confirmed diagnosis of cystic fibrosis. The variant was classified in the context of a project re-classifying variants in the German Cystic Fibrosis Registry (Muko.e.V.). Criteria applied: PS3_SUP, PM2_SUP, PM3, PP3, PP4

CeGaT Center for Human Genetics Tuebingen
Classification: Pathogenic. Last evaluated: 2019-12-01. Review status: criteria provided, single submitter. Criteria: CeGaT Center For Human Genetics Tuebingen Variant Classification Criteria Version 2. Collection method: clinical testing. Allele origin: germline. Affected: yes. Observed: 1 variant allele.

CFTR-France
Classification: Pathogenic for cystic fibrosis; CFTR-related disorders. Last evaluated: 2018-01-29. Review status: criteria provided, single submitter. Criteria: Claustres M et al. (Hum Mutat 2017). Collection method: curation. Allele origin: germline. Affected: yes.
Comment: when the variant is in trans with another CF-causing variation, can either result in CF or in a CFTR-RD

Quest Diagnostics Nichols Institute San Juan Capistrano
Classification: Likely pathogenic. Last evaluated: 2017-07-20. Review status: criteria provided, single submitter. Criteria: Quest Diagnostics criteria. Collection method: clinical testing. Allele origin: germline.

Juno Genomics, Hangzhou Juno Genomics, Inc
Classification: Pathogenic for Congenital bilateral aplasia of vas deferens from CFTR mutation; Cystic fibrosis. Review status: criteria provided, single submitter. Criteria: ACMG Guidelines, 2015. Collection method: clinical testing. Allele origin: germline.
Comment: Absent from controls (or at extremely low frequency if recessive) in Genome Aggregation Database.;Well-established in vitro or in vivo functional studies supportive of a damaging effect on the gene or gene product.;For recessive disorders, detected in trans with a pathogenic variant.;Patient's phenotype or family history is highly specific for a disease with a single genetic etiology.

Counsyl
Classification: Uncertain significance for Cystic fibrosis. Last evaluated: 2017-11-30. Review status: no assertion criteria provided. Collection method: clinical testing. Allele origin: unknown. Not counted in ClinVar's aggregate classification.

Literature cited by the submitters: PubMed 15070876 (cited by 5 submitters); PubMed 23381846 (cited by 6 submitters); PubMed 25674778 (cited by 3 submitters); PubMed 25963003 (cited by 4 submitters); PubMed 30938940 (cited by 3 submitters); PubMed 17850636 (cited by Women's Health and Genetics/Laboratory Corporation of America, LabCorp and Counsyl); PubMed 22483971 (cited by Women's Health and Genetics/Laboratory Corporation of America, LabCorp); PubMed 23378595 (cited by Women's Health and Genetics/Laboratory Corporation of America, LabCorp); PubMed 34860163 (cited by Women's Health and Genetics/Laboratory Corporation of America, LabCorp); PubMed 34814176 (cited by Women's Health and Genetics/Laboratory Corporation of America, LabCorp and Ambry Genetics); PubMed 26277102 (cited by Johns Hopkins Genomics, Johns Hopkins University).